The following is an entry in ClinVar:

ClinVar aggregate classification (germline): Likely benign. Review status: criteria provided, multiple submitters, no conflicts (2 of 4 stars). 2 submissions from 2 submitters: Likely benign (2). Last evaluated 2025-06-01.

Allele frequency attached by ClinVar (database versions not stated): gnomAD 0.00001; gnomAD exomes 0.00001 and 0.00004; ExAC 0.00002; ESP Exome Variant Server 0.00008.
gnomAD v4.1: 67 of 1,612,834 alleles (0.0042%); highest among the groups gnomAD compares: Non-Finnish European, 0.0052%; no homozygotes.

Submissions (2):

CeGaT Center for Human Genetics Tuebingen
Classification: Likely benign. Last evaluated: 2025-06-01. Review status: criteria provided, single submitter. Criteria: CeGaT Center For Human Genetics Tuebingen Variant Classification Criteria Version 2. Collection method: clinical testing. Allele origin: germline. Affected: yes. Observed: 1 variant allele.
Comment: CCDC50: BP4, BP7

Labcorp Genetics (formerly Invitae), Labcorp
Classification: Likely benign. Last evaluated: 2024-05-17. Review status: criteria provided, single submitter. Criteria: Invitae Variant Classification Sherloc (09022015). Collection method: clinical testing. Allele origin: germline.

NM_178335.3(CCDC50):c.1056T>C (p.Ala352=)

Gene: CCDC50 (coiled-coil domain containing 50; plus strand). Cytogenetic location: 3q28.
Variant type: single nucleotide variant.
Coding change: c.1056T>C on transcript NM_178335.3 (MANE Select); coding-DNA position 1056, T replaced by C.
Protein change: p.Ala352=; no amino-acid change (alanine 352 retained).
Molecular consequence: synonymous variant.
Genome position (GRCh38, 1-based): chr3:191,380,238, T>C. VCF-style: chr3-191380238-T-C. GRCh37 (hg19) VCF-style: chr3-191098027-T-C.
Other names: c.528T>C, p.Ala176= (NM_174908.4).
Identifiers: ClinVar variation 1603582 (VCV001603582.16), dbSNP rs376385256, ClinGen allele CA2755416.